The following is an entry in ClinVar:

ClinVar aggregate classification (germline): Likely pathogenic (1 of 4 stars; one submission).

Conditions:
Duchenne muscular dystrophy (DMD). Also called: MUSCULAR DYSTROPHY, PSEUDOHYPERTROPHIC PROGRESSIVE, DUCHENNE TYPE; Duchenne Muscular Dystrophy (DMD). Identifiers: Orphanet 98896, MedGen C0013264, MONDO:0010679, OMIM 310200.

Submission:

Institute of Medical Genetics and Genomics, Sir Ganga Ram Hospital
Classification: Likely pathogenic for Duchenne muscular dystrophy. Last evaluated: 2025-10-10. Review status: criteria provided, single submitter. Criteria: ACMG Guidelines, 2015. Collection method: clinical testing. Allele origin: germline. Inheritance: X-linked inheritance. Affected: yes. Observed: 1 hemizygote.
Comment: The genetic variant NM_004006.3(DMD):c.10044del (p.Gly3349AlaFs*28) is classified as likely pathogenic according to the ACMG/AMP guidelines. This variant results in a single nucleotide deletion at position 10044, causing a frameshift and introducing a premature stop codon 28 amino acids downstream at codon 3377. This change is predicted to lead to a truncated dystrophin protein, which is either degraded via nonsense-mediated decay or rendered non-functional. Loss-of-function mutations in the DMD gene are a well-established cause of Duchenne muscular dystrophy (DMD), a severe X-linked neuromuscular disorder. This frameshift variant fulfills PVS1 (very strong evidence) for predicted loss of function consistent with the known disease mechanism. Additionally, the variant is absent from major population databases, meeting PM2 (supporting evidence) and supporting its rarity and pathogenic potential. Collectively, these data support the classification of the c.10044del (p.Gly3349AlaFs*28) variant as likely pathogenic.

NM_004006.3(DMD):c.10044del (p.Gly3349fs)

Gene: DMD (dystrophin; minus strand). Cytogenetic location: Xp21.2.
Variant type: Deletion.
Coding change: c.10044del on transcript NM_004006.3 (MANE Select); coding-DNA position 10044, one base deleted (A; older notation c.10044delA).
Protein change: p.Gly3349fs; shifts the reading frame from glycine 3349.
Molecular consequence: frameshift variant.
Genome position (GRCh38, 1-based): chrX:31,180,412, T deleted on the plus strand (A on the coding strand, the reverse complement: DMD is on the minus strand); the first of 4 consecutive T bases (chrX:31,180,412-31,180,415); deleting any one gives the same sequence. VCF-style (leftmost placement, unchanged base first): chrX-31180411-CT-C. GRCh37 (hg19) VCF-style: chrX-31198528-CT-C.
Other names: c.10020del, p.Gly3341fs (NM_000109.4); c.10032del, p.Gly3345fs (NM_004009.3); c.9675del, p.Gly3226fs (NM_004010.3); c.6021del, p.Gly2008fs (NM_004011.4); c.6012del, p.Gly2005fs (NM_004012.4); c.2664del, p.Gly889fs (NM_004013.3, NM_004020.4, NM_004021.3 and 2 more transcripts); c.1857del, p.Gly620fs (NM_004014.3); c.840del, p.Gly281fs (NM_004015.3, NM_004016.3, NM_004017.3 and 2 more transcripts); short protein forms G2005fs, G2008fs, G281fs, G3226fs, G3341fs, G3345fs, G3349fs, G620fs.
Identifiers: ClinVar variation 4280326 (VCV004280326.1).
Genomic context (GRCh38, chrX:31,180,411, plus strand): 5'-AGGCTGGCGTCAAACTTACCGGAGTGCAATATTCCACCATGGGATAGTGCATTTTATGGC[CT>C]TTTGCAACTCGACCAGAAAAAAAGCAGCTTTGGCAGATGTCATAATTAAAGTGCTTTAGA-3'